The following is an entry in ClinVar:

NM_025103.4(IFT74):c.1187T>A (p.Leu396His)

Gene: IFT74 (intraflagellar transport 74; plus strand). Cytogenetic location: 9p21.2.
Variant type: single nucleotide variant.
Coding change: c.1187T>A on transcript NM_025103.4 (MANE Select); coding-DNA position 1187, T replaced by A.
Protein change: p.Leu396His; replaces leucine 396 with histidine.
Molecular consequence: missense variant.
Genome position (GRCh38, 1-based): chr9:27,047,352, T>A. VCF-style: chr9-27047352-T-A. GRCh37 (hg19) VCF-style: chr9-27047350-T-A.
Other names: c.1187T>A, p.Leu396His (NM_001099222.3, NM_001099223.3, NM_001349928.2); short protein forms L396H.
Identifiers: ClinVar variation 2035782 (VCV002035782.4), dbSNP rs1819737878, ClinGen allele CA373125437.

ClinVar aggregate classification (germline): Uncertain significance (1 of 4 stars; one submission).

Submission:

Labcorp Genetics (formerly Invitae), Labcorp
Classification: Uncertain significance. Last evaluated: 2022-10-16. Review status: criteria provided, single submitter. Criteria: Invitae Variant Classification Sherloc (09022015). Collection method: clinical testing. Allele origin: germline.
Comment: In summary, the available evidence is currently insufficient to determine the role of this variant in disease. Therefore, it has been classified as a Variant of Uncertain Significance. Algorithms developed to predict the effect of missense changes on protein structure and function (SIFT, PolyPhen-2, Align-GVGD) all suggest that this variant is likely to be disruptive. This variant has not been reported in the literature in individuals affected with IFT74-related conditions. This variant is not present in population databases (gnomAD no frequency). This sequence change replaces leucine, which is neutral and non-polar, with histidine, which is basic and polar, at codon 396 of the IFT74 protein (p.Leu396His).